The following is an entry in ClinVar:

NM_018965.4(TREM2):c.428del (p.Phe143fs)

Gene: TREM2 (triggering receptor expressed on myeloid cells 2; minus strand). Cytogenetic location: 6p21.1.
Variant type: Deletion.
Coding change: c.428del on transcript NM_018965.4 (MANE Select); coding-DNA position 428, one base deleted (T; older notation c.428delT).
Protein change: p.Phe143fs; shifts the reading frame from phenylalanine 143.
Molecular consequence: frameshift variant.
Genome position (GRCh38, 1-based): chr6:41,159,846, A deleted on the plus strand (T on the coding strand, the reverse complement: TREM2 is on the minus strand); the first of 2 consecutive A bases (chr6:41,159,846-41,159,847); deleting either gives the same sequence. VCF-style (leftmost placement, unchanged base first): chr6-41159845-GA-G. GRCh37 (hg19) VCF-style: chr6-41127583-GA-G.
Other names: c.428del, p.Phe143fs (NM_001271821.2); short protein forms F143fs.
Identifiers: ClinVar variation 4086449 (VCV004086449.1).

ClinVar aggregate classification (germline): Likely pathogenic (1 of 4 stars; one submission).

Submission:

GeneDx
Classification: Likely pathogenic. Last evaluated: 2025-03-17. Review status: criteria provided, single submitter. Criteria: GeneDx Variant Classification Process June 2021. Collection method: clinical testing. Allele origin: germline. Affected: yes.
Comment: Previously reported in a proband with bvFTD with extensive white matter changes and thinning of the corpus callosum on MRI; this individual also harbored a second missense variant in the TREM2 gene, however segregation information was not provided (PMID: 30106757); Frameshift variant predicted to result in protein truncation or nonsense mediated decay in a gene for which loss of function is a known mechanism of disease; Not observed at significant frequency in large population cohorts (gnomAD); This variant is associated with the following publications: (PMID: 30106757)